The following continues an entry in ClinVar:

NM_000108.5(DLD):c.1123G>A (p.Glu375Lys)

Gene: DLD. ClinVar aggregate classification (germline): Pathogenic/Likely pathogenic. Pathogenic (10); Likely pathogenic (1).

Submissions 11 to 13 of 13:

Illumina Laboratory Services, Illumina
Classification: Pathogenic for DLD-Related Disorders. Last evaluated: 2017-09-13. Review status: criteria provided, single submitter. Criteria: ICSL Variant Classification Criteria 09 May 2019. Collection method: clinical testing. Allele origin: germline.
Comment: The variant was also found in a heterozygous state in five unaffected family members (Hong et al. 1997; Cerna et al. 2001; Cameron et al. 2006). One of the compound heterozygous individuals carried the p.Glu375Lys variant in trans with a p.Ile47Thr variant which was also carried by a cousin diagnosed with DLD deficiency, in trans with a third variant (Cameron et al. 2006). All affected individuals displayed reduced DLD enzyme activity in muscle, lymphocytes and fibroblasts of between <5% and 14% of control values depending on the tissue, as well as reduced protein levels of up to 3% of controls. Pyruvate dehydrogenase complex (PDC) and alpha-ketoglutarate dehydrogenase complex activities from cultured skin fibroblasts were reduced to 12% and 6% of control values respectively. DLD protein levels were also reduced to 40% compared to control values (Hong et al. 1997; Cerna et al. 2001; Cameron et al. 2006). Reduced DLD protein levels and PDC activity to 25 Î“Ã‡Ã´ 50% of control levels were also seen in the cultured skin fibroblasts of unaffected heterozygous family members (Hong et al. 1997; Cerna et al. 2001; Cameron et al. 2006). The p.Glu375Lys variant was absent from 20 controls but is reported at a frequency of 0.002266 in the Ashkenazi Jewish population of the Genome Aggregation Database. The Gln375 residue is highly conserved. Functional studies in E.coli, demonstrated that the p.Glu375Lys variant resulted in only a modest reduction in DLD activity compared to controls in contrast to activities measured in cell lines derived from patients, thought to be due to the temperature at which activity was being measured (Vaubel et al. 2011). In yeast, variant DLD expression levels were shown to be similar to wild type (Vaubel et al. 2011). In E.coli JM83 cells, the variant protein did result in a significantly increased rate of reactive oxygen species and hydrogen peroxide generation compared to wildtype (Ambrus et al. 2011). Structural studies using HDX mass spectrometry of the variant protein transfected into E. coli demonstrated that the p.Glu375Lys variant results in considerable steric and charge modulations near the C-terminus of the protein (Ambrus et al. 2016). Based on the collective evidence, the variant is classified as pathogenic for DLD-related disorders. This variant was observed by ICSL as part of a predisposition screen in an ostensibly healthy population.

PreventionGenetics, part of Exact Sciences
Classification: Pathogenic for DLD-related condition. Last evaluated: 2024-04-05. Review status: no assertion criteria provided. Collection method: clinical testing. Allele origin: germline. Not counted in ClinVar's aggregate classification.
Comment: The DLD c.1123G>A variant is predicted to result in the amino acid substitution p.Glu375Lys. This variant has been reported in many individuals with dihydrolipoamide dehydrogenase deficiency (also known as E340K; Hong et al 1997. PubMed ID: 9540846; Ambrus et al 2011. PubMed ID: 21558426; Ambrus et al 2013. PubMed ID: 24012808). This variant is reported in 0.22% of alleles in individuals of Ashkenazi Jewish descent in gnomAD. This variant is interpreted as pathogenic.

OMIM
Classification: Pathogenic for DIHYDROLIPOAMIDE DEHYDROGENASE DEFICIENCY. Last evaluated: 2006-07-15. Review status: no assertion criteria provided. Collection method: literature only. Allele origin: germline. Not counted in ClinVar's aggregate classification.

Literature cited by the submitters: PubMed 9540846 (cited by 5 submitters); PubMed 11687750 (cited by 7 submitters); PubMed 16770810 (cited by 7 submitters); PubMed 18362926 (cited by 4 submitters); PubMed 27290639 (cited by 4 submitters); PubMed 21558426 (cited by 4 submitters); PubMed 21930696 (cited by 5 submitters); PubMed 27144126 (cited by Natera, Inc. and Women's Health and Genetics/Laboratory Corporation of America, LabCorp); PubMed 22231385 (cited by Natera, Inc.); PubMed 15946682 (cited by Ambry Genetics); PubMed 23995961 (cited by 3 submitters); PubMed 24012808 (cited by Ambry Genetics); PubMed 27544700 (cited by Ambry Genetics and Illumina Laboratory Services, Illumina); PubMed 37701333 (cited by Ambry Genetics); PubMed 15712224 (cited by Women's Health and Genetics/Laboratory Corporation of America, LabCorp and OMIM); PubMed 16442803 (cited by Myriad Genetics, Inc.).